The following is an entry in ClinVar:

ClinVar aggregate classification (germline): Uncertain significance (1 of 4 stars; one submission).

Conditions:
Charcot-Marie-Tooth disease type 4. Also called: Charcot-Marie-Tooth disease, type IV; Charcot-Marie-Tooth, Type 4. Identifiers: Orphanet 64749, MedGen C4082197, MONDO:0018995.

Submission:

Labcorp Genetics (formerly Invitae), Labcorp
Classification: Uncertain significance for Charcot-Marie-Tooth disease type 4. Last evaluated: 2024-07-22. Review status: criteria provided, single submitter. Criteria: Invitae Variant Classification Sherloc (09022015). Collection method: clinical testing. Allele origin: germline.
Comment: This variant, c.2165_2166insTAGTTG, results in the insertion of 2 amino acid(s) of the SBF2 protein (p.Arg722_Leu723insSerCys), but otherwise preserves the integrity of the reading frame. This variant is present in population databases (rs764180003, gnomAD 0.007%). This variant has not been reported in the literature in individuals affected with SBF2-related conditions. In summary, the available evidence is currently insufficient to determine the role of this variant in disease. Therefore, it has been classified as a Variant of Uncertain Significance.

NM_030962.4(SBF2):c.2165_2166insTAGTTG (p.Arg722_Leu723insSerCys)

Genes: SBF2 (SET binding factor 2; minus strand), LOC101928008 (uncharacterized LOC101928008; plus strand). Cytogenetic location: 11p15.4.
Variant type: Insertion.
Coding change: c.2165_2166insTAGTTG on transcript NM_030962.4 (MANE Select); coding-DNA positions 2165 to 2166, TAGTTG inserted.
Protein change: p.Arg722_Leu723insSerCys.
Genome position: GRCh38 VCF-style: chr11-9856655-G-GCAACTA. GRCh37 (hg19) VCF-style: chr11-9878202-G-GCAACTA.
Other names: c.2165_2166insTAGTTG, p.Arg722_Leu723insSerCys (NM_001386339.1); c.2036_2037insTAGTTG, p.Arg679_Leu680insSerCys (NM_001386342.1); c.2201_2202insTAGTTG, p.Arg734_Leu735insSerCys (NM_001424318.1, NM_001425069.1, NM_001425070.1).
Identifiers: ClinVar variation 3660199 (VCV003660199.2).